The following is an entry in ClinVar:

NM_001322934.2(NFKB2):c.1306G>T (p.Ala436Ser)

Genes: NFKB2 (nuclear factor kappa B subunit 2; plus strand), LOC130004599 (ATAC-STARR-seq lymphoblastoid silent region 2756; plus strand). Cytogenetic location: 10q24.32.
Variant type: single nucleotide variant.
Coding change: c.1306G>T on transcript NM_001322934.2 (MANE Select); coding-DNA position 1306, G replaced by T.
Protein change: p.Ala436Ser; replaces alanine 436 with serine.
Molecular consequence: missense variant.
Genome position (GRCh38, 1-based): chr10:102,399,476, G>T. VCF-style: chr10-102399476-G-T. GRCh37 (hg19) VCF-style: chr10-104159233-G-T.
Other names: c.1306G>T, p.Ala436Ser (NM_001077494.3, NM_001261403.3, NM_001288724.1 and 1 more transcripts); c.1180G>T, p.Ala394Ser (NM_001322935.1); short protein forms A394S, A436S.
Identifiers: ClinVar variation 1355771 (VCV001355771.6), dbSNP rs2135435274, ClinGen allele CA377899329.

ClinVar aggregate classification (germline): Uncertain significance (1 of 4 stars; one submission).

Conditions:
Immunodeficiency, common variable, 10. Also called: IMMUNODEFICIENCY, COMMON VARIABLE, WITH CENTRAL ADRENAL INSUFFICIENCY; DEFICIT IN ANTERIOR PITUITARY FUNCTION AND VARIABLE IMMUNODEFICIENCY. Identifiers: MedGen C3809991, MONDO:0014260, OMIM 615577.

gnomAD v4.1: 1 of 1,495,916 alleles (0.000067%); highest among the groups gnomAD compares: Non-Finnish European, 0.000089%; no homozygotes.

Submission:

Labcorp Genetics (formerly Invitae), Labcorp
Classification: Uncertain significance for Immunodeficiency, common variable, 10. Last evaluated: 2021-08-26. Review status: criteria provided, single submitter. Criteria: Invitae Variant Classification Sherloc (09022015). Collection method: clinical testing. Allele origin: germline.
Comment: The frequency data for this variant in the population databases is considered unreliable, as metrics indicate insufficient coverage at this position in the ExAC database. In summary, the available evidence is currently insufficient to determine the role of this variant in disease. Therefore, it has been classified as a Variant of Uncertain Significance. Algorithms developed to predict the effect of missense changes on protein structure and function (SIFT, PolyPhen-2, Align-GVGD) all suggest that this variant is likely to be tolerated. This variant has not been reported in the literature in individuals affected with NFKB2-related conditions. This sequence change replaces alanine with serine at codon 436 of the NFKB2 protein (p.Ala436Ser). The alanine residue is weakly conserved and there is a moderate physicochemical difference between alanine and serine.